The following is an entry in ClinVar:

NM_000368.5(TSC1):c.3192G>A (p.Glu1064=)

Gene: TSC1 (TSC complex subunit 1; minus strand). Cytogenetic location: 9q34.13.
Variant type: single nucleotide variant.
Coding change: c.3192G>A on transcript NM_000368.5 (MANE Select); coding-DNA position 3192, G replaced by A.
Protein change: p.Glu1064=; no amino-acid change (glutamic acid 1064 retained).
Molecular consequence: synonymous variant. On other transcripts: non-coding transcript variant (5).
Genome position (GRCh38, 1-based): chr9:132,896,538, C>T on the plus strand (G>A on the coding strand, the complement: TSC1 is on the minus strand). VCF-style: chr9-132896538-C-T. GRCh37 (hg19) VCF-style: chr9-135771925-C-T.
Other names: c.3189G>A, p.Glu1063= (NM_001162426.2, NM_001406597.1, NM_001406598.1 and 2 more transcripts); c.3039G>A, p.Glu1013= (NM_001162427.2, NM_001406610.1); c.2829G>A, p.Glu943= (NM_001362177.2, NM_001406614.1, NM_001406615.1 and 4 more transcripts); c.3192G>A, p.Glu1064= (NM_001406592.1, NM_001406593.1, NM_001406594.1 and 2 more transcripts); c.3177G>A, p.Glu1059= (NM_001406601.1, NM_001406602.1); c.3174G>A, p.Glu1058= (NM_001406603.1, NM_001406604.1); c.3150G>A, p.Glu1050= (NM_001406605.1, NM_001406606.1, NM_001406607.1); c.3147G>A, p.Glu1049= (NM_001406608.1, NM_001406609.1); and 8 more.
Identifiers: ClinVar variation 1975630 (VCV001975630.6), dbSNP rs2131602580, ClinGen allele CA467812746.

ClinVar aggregate classification (germline): Benign/Likely benign. Review status: criteria provided, multiple submitters, no conflicts (2 of 4 stars). 2 submissions from 2 submitters: Benign (1); Likely benign (1). Last evaluated 2025-04-30.

Conditions:
Tuberous sclerosis 1 (TSC1). Identifiers: Orphanet 805, MedGen C1854465, MONDO:0008612, OMIM 191100.

Submissions (2):

Myriad Genetics, Inc.
Classification: Benign for Tuberous sclerosis 1. Last evaluated: 2025-04-30. Review status: criteria provided, single submitter. Criteria: Myriad Autosomal Dominant, Autosomal Recessive and X-Linked Classification Criteria (2023). Collection method: clinical testing. Allele origin: unknown.
Comment: This variant is considered benign. This variant is a silent/synonymous amino acid change and it is not expected to impact splicing.

Labcorp Genetics (formerly Invitae), Labcorp
Classification: Likely benign for Tuberous sclerosis 1. Last evaluated: 2022-03-19. Review status: criteria provided, single submitter. Criteria: Invitae Variant Classification Sherloc (09022015). Collection method: clinical testing. Allele origin: germline.